The following is an entry in ClinVar:

NM_001130987.2(DYSF):c.4093T>G (p.Tyr1365Asp)

Gene: DYSF (dysferlin; plus strand). Cytogenetic location: 2p13.2.
Variant type: single nucleotide variant.
Coding change: c.4093T>G on transcript NM_001130987.2 (MANE Select); coding-DNA position 4093, T replaced by G.
Protein change: p.Tyr1365Asp; replaces tyrosine 1365 with aspartic acid.
Molecular consequence: missense variant.
Genome position (GRCh38, 1-based): chr2:71,611,498, T>G. VCF-style: chr2-71611498-T-G. GRCh37 (hg19) VCF-style: chr2-71838628-T-G.
Other names: c.4042T>G, p.Tyr1348Asp (NM_001130455.2, NM_001130983.2); c.3997T>G, p.Tyr1333Asp (NM_001130976.2, NM_001130977.2); c.4039T>G, p.Tyr1347Asp (NM_001130978.2, NM_003494.4); c.4132T>G, p.Tyr1378Asp (NM_001130979.2); c.4090T>G, p.Tyr1364Asp (NM_001130980.2, NM_001130981.2); c.4135T>G, p.Tyr1379Asp (NM_001130982.2); c.4000T>G, p.Tyr1334Asp (NM_001130984.2, NM_001130986.2); c.4093T>G, p.Tyr1365Asp (NM_001130985.2); and 1 more; short protein forms Y1364D, Y1334D, Y1347D, Y1333D, Y1365D, Y1348D, Y1378D, Y1379D.
Identifiers: ClinVar variation 2077125 (VCV002077125.5), dbSNP rs762449165, ClinGen allele CA1706891.

ClinVar aggregate classification (germline): Uncertain significance. Review status: criteria provided, multiple submitters, no conflicts (2 of 4 stars). 3 submissions from 3 submitters: Uncertain significance (3). Last evaluated 2025-07-15.

Conditions:
Inborn genetic diseases. Identifiers: MedGen C0950123, MeSH D030342.
Neuromuscular disease caused by qualitative or quantitative defects of dysferlin. Also called: Qualitative or quantitative defects of dysferlin; Dysferlinopathy. Identifiers: Orphanet 207073, MedGen C2931687, MONDO:0016145.

Allele frequency attached by ClinVar (database versions not stated): ExAC 0.00002; TOPMed 0.00002; gnomAD exomes 0.00003.
gnomAD v4.1: 49 of 1,614,130 alleles (0.003%); highest among the groups gnomAD compares: Non-Finnish European, 0.004%; no homozygotes.

Submissions (3):

Ambry Genetics
Classification: Uncertain significance for Inborn genetic diseases. Last evaluated: 2025-07-15. Review status: criteria provided, single submitter. Criteria: Ambry Variant Classification Scheme 2023. Collection method: clinical testing. Allele origin: germline.

Labcorp Genetics (formerly Invitae), Labcorp
Classification: Uncertain significance for Neuromuscular disease caused by qualitative or quantitative defects of dysferlin. Last evaluated: 2022-08-16. Review status: criteria provided, single submitter. Criteria: Invitae Variant Classification Sherloc (09022015). Collection method: clinical testing. Allele origin: germline.
Comment: This sequence change replaces tyrosine, which is neutral and polar, with aspartic acid, which is acidic and polar, at codon 1347 of the DYSF protein (p.Tyr1347Asp). This variant is present in population databases (rs762449165, gnomAD 0.01%). This variant has not been reported in the literature in individuals affected with DYSF-related conditions. Advanced modeling of protein sequence and biophysical properties (such as structural, functional, and spatial information, amino acid conservation, physicochemical variation, residue mobility, and thermodynamic stability) performed at Invitae indicates that this missense variant is expected to disrupt DYSF protein function. In summary, the available evidence is currently insufficient to determine the role of this variant in disease. Therefore, it has been classified as a Variant of Uncertain Significance.

Revvity Omics, Revvity
Classification: Uncertain significance. Last evaluated: 2021-02-10. Review status: criteria provided, single submitter. Criteria: ACMG Guidelines, 2015. Collection method: clinical testing. Allele origin: germline.